The following is an entry in ClinVar:

NM_006755.2(TALDO1):c.862C>T (p.His288Tyr)

Gene: TALDO1 (transaldolase 1; plus strand). Cytogenetic location: 11p15.5.
Variant type: single nucleotide variant.
Coding change: c.862C>T on transcript NM_006755.2 (MANE Select); coding-DNA position 862, C replaced by T.
Protein change: p.His288Tyr; replaces histidine 288 with tyrosine.
Molecular consequence: missense variant.
Genome position (GRCh38, 1-based): chr11:764,314, C>T. VCF-style: chr11-764314-C-T. GRCh37 (hg19) VCF-style: chr11-764314-C-T.
Other names: short protein forms H288Y.
Identifiers: ClinVar variation 4774740 (VCV004774740.1).

ClinVar aggregate classification (germline): Uncertain significance (1 of 4 stars; one submission).

gnomAD v4.1: 15 of 1,614,122 alleles (0.00093%); highest among the groups gnomAD compares: Non-Finnish European, 0.0013%; no homozygotes.

Submission:

Labcorp Genetics (formerly Invitae), Labcorp
Classification: Uncertain significance. Last evaluated: 2025-11-11. Review status: criteria provided, single submitter. Criteria: Invitae Variant Classification Sherloc (09022015). Collection method: clinical testing. Allele origin: germline.
Comment: This sequence change replaces histidine, which is basic and polar, with tyrosine, which is neutral and polar, at codon 288 of the TALDO1 protein (p.His288Tyr). This variant is present in population databases (rs747756044, gnomAD 0.002%). This variant has not been reported in the literature in individuals affected with TALDO1-related conditions. Invitae Evidence Modeling of protein sequence and biophysical properties (such as structural, functional, and spatial information, amino acid conservation, physicochemical variation, residue mobility, and thermodynamic stability) indicates that this missense variant is not expected to disrupt TALDO1 protein function with a negative predictive value of 80%. In summary, the available evidence is currently insufficient to determine the role of this variant in disease. Therefore, it has been classified as a Variant of Uncertain Significance.